The following is an entry in ClinVar:

NM_000051.4(ATM):c.1123A>G (p.Arg375Gly)

Gene: ATM (ATM serine/threonine kinase; plus strand). Cytogenetic location: 11q22.3.
Variant type: single nucleotide variant.
Coding change: c.1123A>G on transcript NM_000051.4 (MANE Select); coding-DNA position 1123, A replaced by G.
Protein change: p.Arg375Gly; replaces arginine 375 with glycine.
Molecular consequence: missense variant.
Genome position (GRCh38, 1-based): chr11:108,248,990, A>G. VCF-style: chr11-108248990-A-G. GRCh37 (hg19) VCF-style: chr11-108119717-A-G.
Other names: c.1123A>G, p.Arg375Gly (NM_001351834.2); short protein forms R375G.
Identifiers: ClinVar variation 3326426 (VCV003326426.1).
Genomic context (GRCh38, chr11:108,248,990, plus strand): 5'-CAGGTTTTTAATGAAGATACCAGATCCTTGGAGATTTCTCAATCTTACACTACTACACAA[A>G]GAGAATCTAGTGATTACAGTGTCCCTTGCAAAAGGAAGAAAATAGAACTAGGCTGGGAAG-3'
Protein context (NP_000042.3, residues 365-385): EISQSYTTTQ[Arg375Gly]ESSDYSVPCK

ClinVar aggregate classification (germline): Uncertain significance (1 of 4 stars; one submission).

Conditions:
Hereditary cancer-predisposing syndrome. Also called: Neoplastic Syndromes, Hereditary; Tumor predisposition; Hereditary neoplastic syndrome; Hereditary Cancer Syndrome. Identifiers: Orphanet 140162, MedGen C0027672, MeSH D009386, MONDO:0015356.

Submission:

Ambry Genetics
Classification: Uncertain significance for Hereditary cancer-predisposing syndrome. Last evaluated: 2024-05-25. Review status: criteria provided, single submitter. Criteria: Ambry Variant Classification Scheme 2023. Collection method: clinical testing. Allele origin: germline.
Comment: The p.R375G variant (also known as c.1123A>G), located in coding exon 8 of the ATM gene, results from an A to G substitution at nucleotide position 1123. The arginine at codon 375 is replaced by glycine, an amino acid with dissimilar properties. This amino acid position is conserved. In addition, this alteration is predicted to be tolerated by in silico analysis. Based on the available evidence, the clinical significance of this variant remains unclear.